The following is an entry in ClinVar:

ClinVar aggregate classification (germline): Likely benign (0 of 4 stars; one submission).

Conditions:
NRXN2-related disorder. Also called: NRXN2-related condition.

Allele frequency attached by ClinVar (database versions not stated): TOPMed 0.00054; gnomAD 0.00072; ExAC 0.00074; 1000 Genomes Project 0.00080; 1000 Genomes Project 30x 0.00094; gnomAD exomes 0.00103; ESP Exome Variant Server 0.00131.
gnomAD v4.1: 1,603 of 1,613,570 alleles (0.099%); highest among the groups gnomAD compares: Non-Finnish European, 0.11%; 1 homozygote.

Submission:

PreventionGenetics, part of Exact Sciences
Classification: Likely benign for NRXN2-related condition. Last evaluated: 2019-12-03. Review status: no assertion criteria provided. Collection method: clinical testing. Allele origin: germline.
Comment: This variant is classified as likely benign based on ACMG/AMP sequence variant interpretation guidelines (Richards et al. 2015 PMID: 25741868, with internal and published modifications).

NM_015080.4(NRXN2):c.1830G>A (p.Pro610=)

Gene: NRXN2 (neurexin 2; minus strand). Cytogenetic location: 11q13.1.
Variant type: single nucleotide variant.
Coding change: c.1830G>A on transcript NM_015080.4 (MANE Select); coding-DNA position 1830, G replaced by A.
Protein change: p.Pro610=; no amino-acid change (proline 610 retained).
Molecular consequence: synonymous variant.
Genome position (GRCh38, 1-based): chr11:64,661,108, C>T on the plus strand (G>A on the coding strand, the complement: NRXN2 is on the minus strand). VCF-style: chr11-64661108-C-T. GRCh37 (hg19) VCF-style: chr11-64428580-C-T.
Other names: c.1830G>A, p.Pro610= (NM_001376262.1); c.1809G>A, p.Pro603= (NM_001376263.1, NM_001376267.1); c.1785G>A, p.Pro595= (NM_001376265.1); c.1806G>A, p.Pro602= (NM_001376266.1); c.1737G>A, p.Pro579= (NM_138732.3).
Identifiers: ClinVar variation 3052308 (VCV003052308.2), dbSNP rs144192701, ClinGen allele CA6078356.